The following is an entry in ClinVar:

ClinVar aggregate classification (germline): Uncertain significance (1 of 4 stars; one submission).

Conditions:
Maturity-onset diabetes of the young (MODY). Also called: Maturity onset diabetes mellitus in young. Identifiers: Orphanet 552, MedGen C0342276, MONDO:0018911, HP:0004904.

Submission:

Ambry Genetics
Classification: Uncertain significance for Maturity-onset diabetes of the young. Last evaluated: 2016-06-01. Review status: criteria provided, single submitter. Criteria: Ambry Variant Classification Scheme 2023. Collection method: clinical testing. Allele origin: germline.
Comment: The p.H336Q variant (also known as c.1008C>G), located in coding exon 4 of the HNF1B gene, results from a C to G substitution at nucleotide position 1008. The histidine at codon 336 is replaced by glutamine, an amino acid with highly similar properties. This variant was not reported in population based cohorts in the following databases: Database of Single Nucleotide Polymorphisms (dbSNP), NHLBI Exome Sequencing Project (ESP), and 1000 Genomes Project. In the ESP, this variant was not observed in 6503 samples (13006 alleles) with coverage at this position. This amino acid position is highly conserved in available vertebrate species. In addition, the in silico prediction for this alteration is inconclusive. Since supporting evidence is limited at this time, the clinical significance of this variant remains unclear.

NM_000458.4(HNF1B):c.1008C>G (p.His336Gln)

Gene: HNF1B (HNF1 homeobox B; minus strand). Cytogenetic location: 17q12.
Variant type: single nucleotide variant.
Coding change: c.1008C>G on transcript NM_000458.4 (MANE Select); coding-DNA position 1008, C replaced by G.
Protein change: p.His336Gln; replaces histidine 336 with glutamine.
Molecular consequence: missense variant.
Genome position (GRCh38, 1-based): chr17:37,731,632, G>C on the plus strand (C>G on the coding strand, the complement: HNF1B is on the minus strand). VCF-style: chr17-37731632-G-C. GRCh37 (hg19) VCF-style: chr17-36091623-G-C.
Other names: c.930C>G, p.His310Gln (NM_001165923.4, NM_001304286.2); c.1008C>G, p.His336Gln (NM_001411100.1); short protein forms H336Q, H310Q.
Identifiers: ClinVar variation 1790397 (VCV001790397.2), dbSNP rs150268130, ClinGen allele CA398746146.
Genomic context (GRCh38, chr17:37,731,632, plus strand): 5'-AGTGAGGCCCAACCTTTGCTTACCTGACAGCTTGTTTGGAGGAGAGGAGCTGGGCTGGTG[G>C]TGGGGGGAGCCGTGGGAGAGCAGAGGGTTCAGGCTGTGAGTCTGGTTGGAGCTATAGGCG-3'
Protein context (NP_000449.1, residues 326-346): LNPLLSHGSP[His336Gln]HQPSSSPPNK